The following is an entry in ClinVar:

NM_000138.5(FBN1):c.1075_1089del (p.Cys359_Gly363del)

Genes: FBN1 (fibrillin 1; minus strand), LOC113939944 (Sharpr-MPRA regulatory region 9539; plus strand). Cytogenetic location: 15q21.1.
Variant type: Deletion.
Coding change: c.1075_1089del on transcript NM_000138.5 (MANE Select); coding-DNA positions 1075 to 1089, 15 bases deleted (TGCTGTGATGCCGGC).
Protein change: p.Cys359_Gly363del.
Molecular consequence: inframe deletion. On other transcripts: inframe indel (1).
Genome position (GRCh38, 1-based): chr15:48,520,717-48,520,731, GCCGGCATCACAGCA deleted on the plus strand (TGCTGTGATGCCGGC on the coding strand, the reverse complement: FBN1 is on the minus strand); deleting any 15 consecutive bases within chr15:48,520,717-48,520,733 gives the same sequence; the c. name uses the placement nearest the transcript's 3' end. VCF-style (leftmost placement, unchanged base first): chr15-48520716-GGCCGGCATCACAGCA-G. GRCh37 (hg19) VCF-style: chr15-48812913-GGCCGGCATCACAGCA-G.
Other names: c.1073_1087delGCTGCTGTGATGCCG, p.Cys359_Gly363del (NM_001406716.1).
Identifiers: ClinVar variation 2021475 (VCV002021475.4), dbSNP rs2505628916, ClinGen allele CA2580089579.

ClinVar aggregate classification (germline): Pathogenic (1 of 4 stars; one submission).

Conditions:
Familial thoracic aortic aneurysm and aortic dissection (TAAD). Also called: Thoracic aortic aneurysms and dissections. Identifiers: Orphanet 91387, MedGen C4707243, MONDO:0019625.
Marfan syndrome (MFS). Also called: MARFAN SYNDROME, TYPE I; Marfan syndrome type 1; Marfan's syndrome; Marfan syndrome, classic; FBN1-Related Marfan Syndrome. Identifiers: Orphanet 284963, Orphanet 558, MedGen C0024796, MONDO:0007947, OMIM 154700.

Submission:

Labcorp Genetics (formerly Invitae), Labcorp
Classification: Pathogenic for Marfan syndrome; Familial thoracic aortic aneurysm and aortic dissection. Last evaluated: 2024-01-02. Review status: criteria provided, single submitter. Criteria: Invitae Variant Classification Sherloc (09022015). Collection method: clinical testing. Allele origin: germline.
Comment: This variant, c.1075_1089del, results in the deletion of 5 amino acid(s) of the FBN1 protein (p.Cys359_Gly363del), but otherwise preserves the integrity of the reading frame. This variant is not present in population databases (gnomAD no frequency). This variant has not been reported in the literature in individuals affected with FBN1-related conditions. ClinVar contains an entry for this variant (Variation ID: 2021475). This variant affects a cysteine residue in the EGF-like, TGFBP or hybrid motif domains of FBN1. Cysteine residues are believed to be involved in intramolecular disulfide bridges and have been shown to be important for FBN1 protein structure (PMID: 16905551, 19349279). In addition, missense substitutions affecting cysteine residues within these domains are significantly overrepresented among patients with Marfan syndrome (PMID: 16571647, 17701892). This variant disrupts a region of the FBN1 protein in which other variant(s) (p.Cys359Phe) have been determined to be pathogenic (Invitae). This suggests that this is a clinically significant region of the protein, and that variants that disrupt it are likely to be disease-causing. For these reasons, this variant has been classified as Pathogenic.

Literature cited by the submitters: PubMed 16905551; PubMed 19349279; PubMed 16571647; PubMed 17701892.